The following is an entry in ClinVar:

ClinVar aggregate classification (germline): Pathogenic (1 of 4 stars; one submission).

Conditions:
Hereditary breast ovarian cancer syndrome. Also called: BRCA1- and BRCA2-Associated Hereditary Breast and Ovarian Cancer; Hereditary breast and ovarian cancer syndrome; Hereditary breast and ovarian cancer syndrome (HBOC); Hereditary breast and/or ovarian cancer syndrome; Breast and ovarian cancer; Hereditary breast and ovarian cancer. Identifiers: Orphanet 145, MedGen C0677776, MeSH D061325, MONDO:0003582. Disease mechanism: loss of function.

Submission:

Labcorp Genetics (formerly Invitae), Labcorp
Classification: Pathogenic for Hereditary breast ovarian cancer syndrome. Last evaluated: 2023-07-08. Review status: criteria provided, single submitter. Criteria: Invitae Variant Classification Sherloc (09022015). Collection method: clinical testing. Allele origin: germline.
Comment: For these reasons, this variant has been classified as Pathogenic. This variant has not been reported in the literature in individuals affected with BRCA1-related conditions. This variant is not present in population databases (gnomAD no frequency). This sequence change creates a premature translational stop signal (p.Val1653Glyfs*25) in the BRCA1 gene. It is expected to result in an absent or disrupted protein product. Loss-of-function variants in BRCA1 are known to be pathogenic (PMID: 20104584).

Literature cited by the submitters: PubMed 20104584.

NM_007294.4(BRCA1):c.4958_4959del (p.Val1653fs)

Gene: BRCA1 (BRCA1 DNA repair associated; minus strand). Cytogenetic location: 17q21.31.
Variant type: Deletion.
Coding change: c.4958_4959del on transcript NM_007294.4 (MANE Select); coding-DNA positions 4958 to 4959, 2 bases deleted (TG; older notation c.4958_4959delTG).
Protein change: p.Val1653fs; shifts the reading frame from valine 1653.
Molecular consequence: frameshift variant. On other transcripts: intron variant (1).
Genome position (GRCh38, 1-based): chr17:43,070,955-43,070,956, CA deleted on the plus strand (TG on the coding strand, the reverse complement: BRCA1 is on the minus strand); deleting any 2 consecutive bases within chr17:43,070,955-43,070,957 gives the same sequence; the c. name uses the placement nearest the transcript's 3' end. VCF-style (leftmost placement, unchanged base first): chr17-43070954-CCA-C. GRCh37 (hg19) VCF-style: chr17-41222971-CCA-C.
Other names: c.4817_4818del, p.Val1606fs (NM_001407724.1, NM_001407725.1, NM_001407726.1 and 13 more transcripts); c.4814_4815del, p.Val1605fs (NM_001407732.1, NM_001407733.1, NM_001407734.1 and 21 more transcripts); c.4811_4812del, p.Val1604fs (NM_001407845.1, NM_001407846.1, NM_001407838.1 and 12 more transcripts); c.1523_1524del, p.Val508fs (NM_001408438.1, NM_001408439.1, NM_001408440.1 and 10 more transcripts); c.1520_1521del, p.Val507fs (NM_001408445.1, NM_001408446.1, NM_001408447.1 and 2 more transcripts); c.1514_1515del, p.Val505fs (NM_001408451.1); c.1508_1509del, p.Val503fs (NM_001408452.1, NM_001408453.1, NM_001408454.1 and 3 more transcripts); c.1505_1506del, p.Val502fs (NM_001408458.1, NM_001408459.1, NM_001408460.1 and 7 more transcripts); and 72 more; short protein forms V1484fs, V1526fs, V1540fs, V1541fs, V1564fs, V1565fs, V1584fs, V1604fs.
Identifiers: ClinVar variation 2738785 (VCV002738785.3), dbSNP rs2550820203, ClinGen allele CA2697559919.